The following is an entry in ClinVar:

NM_181882.3(PRX):c.3985C>A (p.Pro1329Thr)

Gene: PRX (periaxin; minus strand). Cytogenetic location: 19q13.2.
Variant type: single nucleotide variant.
Coding change: c.3985C>A on transcript NM_181882.3 (MANE Select); coding-DNA position 3985, C replaced by A.
Protein change: p.Pro1329Thr; replaces proline 1329 with threonine.
Molecular consequence: missense variant. On other transcripts: 3 prime UTR variant (1).
Genome position (GRCh38, 1-based): chr19:40,394,367, G>T on the plus strand (C>A on the coding strand, the complement: PRX is on the minus strand). VCF-style: chr19-40394367-G-T. GRCh37 (hg19) VCF-style: chr19-40900274-G-T.
Other names: c.*4190C>A (NM_020956.2); short protein forms P1329T.
Identifiers: ClinVar variation 1371985 (VCV001371985.6), dbSNP rs1337046069, ClinGen allele CA405891364.
Genomic context (GRCh38, chr19:40,394,367, plus strand): 5'-ACCCTTCCCCAGTGACCATCTCACTTTGGCTGAAGCCCACTCGGGGCAGCCTGAGTTTGG[G>T]GCTCTTGGCCTTCTCACCCTCCTCGGCCCCCTCCTTGGCCCGCACCAGGCCAAACCGGGG-3'
Protein context (NP_870998.2, residues 1319-1339): GAEEGEKAKS[Pro1329Thr]KLRLPRVGFS

ClinVar aggregate classification (germline): Uncertain significance (1 of 4 stars; one submission).

Conditions:
Charcot-Marie-Tooth disease type 4. Also called: Charcot-Marie-Tooth disease, type IV; Charcot-Marie-Tooth, Type 4. Identifiers: Orphanet 64749, MedGen C4082197, MONDO:0018995.

Submission:

Labcorp Genetics (formerly Invitae), Labcorp
Classification: Uncertain significance for Charcot-Marie-Tooth disease type 4. Last evaluated: 2021-10-08. Review status: criteria provided, single submitter. Criteria: Invitae Variant Classification Sherloc (09022015). Collection method: clinical testing. Allele origin: germline.
Comment: In summary, the available evidence is currently insufficient to determine the role of this variant in disease. Therefore, it has been classified as a Variant of Uncertain Significance. Algorithms developed to predict the effect of missense changes on protein structure and function (SIFT, PolyPhen-2, Align-GVGD) all suggest that this variant is likely to be disruptive. This variant has not been reported in the literature in individuals affected with PRX-related conditions. This variant is not present in population databases (ExAC no frequency). This sequence change replaces proline with threonine at codon 1329 of the PRX protein (p.Pro1329Thr). The proline residue is highly conserved and there is a small physicochemical difference between proline and threonine.